The following is an entry in ClinVar:

NM_031263.4(HNRNPK):c.1153G>A (p.Gly385Arg)

Gene: HNRNPK (heterogeneous nuclear ribonucleoprotein K; minus strand). Cytogenetic location: 9q21.32.
Variant type: single nucleotide variant.
Coding change: c.1153G>A on transcript NM_031263.4 (MANE Select); coding-DNA position 1153, G replaced by A.
Protein change: p.Gly385Arg; replaces glycine 385 with arginine.
Molecular consequence: missense variant.
Genome position (GRCh38, 1-based): chr9:83,970,775, C>T on the plus strand (G>A on the coding strand, the complement: HNRNPK is on the minus strand). VCF-style: chr9-83970775-C-T. GRCh37 (hg19) VCF-style: chr9-86585690-C-T.
Other names: c.1081G>A, p.Gly361Arg (NM_001318186.2, NM_001318187.2); c.1153G>A, p.Gly385Arg (NM_001318188.2, NM_002140.5, NM_031262.4); short protein forms G385R, G361R.
Identifiers: ClinVar variation 2811236 (VCV002811236.3), dbSNP rs2491956855, ClinGen allele CA373920263.
Genomic context (GRCh38, chr9:83,970,775, plus strand): 5'-TGGTAGTATTAAAGATACTTACATCTTTGGGAATAGTTACTTGTGTAGTAATAATAGGTC[C>T]ACCAAGATCACCATATGAGCCACGACCCCCTGCATAGGAATAATCTGATTTAAATAATGA-3'
Protein context (NP_112553.1, residues 375-395): GGRGSYGDLG[Gly385Arg]PIITTQVTIP

ClinVar aggregate classification (germline): Uncertain significance (1 of 4 stars; one submission).

Submission:

Labcorp Genetics (formerly Invitae), Labcorp
Classification: Uncertain significance. Last evaluated: 2023-12-11. Review status: criteria provided, single submitter. Criteria: Invitae Variant Classification Sherloc (09022015). Collection method: clinical testing. Allele origin: germline.
Comment: This sequence change replaces glycine, which is neutral and non-polar, with arginine, which is basic and polar, at codon 385 of the HNRNPK protein (p.Gly385Arg). This variant is not present in population databases (gnomAD no frequency). This variant has not been reported in the literature in individuals affected with HNRNPK-related conditions. Advanced modeling of protein sequence and biophysical properties (such as structural, functional, and spatial information, amino acid conservation, physicochemical variation, residue mobility, and thermodynamic stability) performed at Invitae indicates that this missense variant is not expected to disrupt HNRNPK protein function with a negative predictive value of 80%. In summary, the available evidence is currently insufficient to determine the role of this variant in disease. Therefore, it has been classified as a Variant of Uncertain Significance.